The following is an entry in ClinVar:

NM_002900.3(RBP3):c.2503G>A (p.Gly835Ser)

Gene: RBP3 (retinol binding protein 3; plus strand). Cytogenetic location: 10q11.22.
Variant type: single nucleotide variant.
Coding change: c.2503G>A on transcript NM_002900.3 (MANE Select); coding-DNA position 2503, G replaced by A.
Protein change: p.Gly835Ser; replaces glycine 835 with serine.
Molecular consequence: missense variant.
Genome position (GRCh38, 1-based): chr10:47,350,987, G>A. VCF-style: chr10-47350987-G-A. GRCh37 (hg19) VCF-style: chr10-48388375-C-T.
Other names: short protein forms G835S.
Identifiers: ClinVar variation 208319 (VCV000208319.9), dbSNP rs782480179, ClinGen allele CA350882.

ClinVar aggregate classification (germline): Uncertain significance. Review status: criteria provided, multiple submitters, no conflicts (2 of 4 stars). 3 submissions from 3 submitters: Uncertain significance (2). 1 of the submissions does not count toward it. Last evaluated 2022-07-12.

Conditions:
Retinitis pigmentosa 66 (RP66). Identifiers: Orphanet 791, MedGen C3715216, MONDO:0014093, OMIM 615233.
Retinitis pigmentosa (RP). Identifiers: Orphanet 791, MedGen C0035334, MeSH D012174, MONDO:0019200, OMIM 268000. Inheritance: Autosomal dominant, autosomal recessive and X linked inheritance.

Allele frequency attached by ClinVar (database versions not stated): ExAC 0.00004; gnomAD exomes 0.00005 and 0.00007; gnomAD 0.00007; TOPMed 0.00010.
gnomAD v4.1: 94 of 1,611,600 alleles (0.0058%); highest among the groups gnomAD compares: Middle Eastern, 0.049%; no homozygotes.

Submissions (3):

Labcorp Genetics (formerly Invitae), Labcorp
Classification: Uncertain significance. Last evaluated: 2022-07-12. Review status: criteria provided, single submitter. Criteria: Invitae Variant Classification Sherloc (09022015). Collection method: clinical testing. Allele origin: germline.
Comment: This sequence change replaces glycine, which is neutral and non-polar, with serine, which is neutral and polar, at codon 835 of the RBP3 protein (p.Gly835Ser). This variant is present in population databases (rs782480179, gnomAD 0.03%). This missense change has been observed in individual(s) with retinal disease (PMID: 19074801). ClinVar contains an entry for this variant (Variation ID: 208319). Algorithms developed to predict the effect of missense changes on protein structure and function output the following: SIFT: "Deleterious"; PolyPhen-2: "Probably Damaging"; Align-GVGD: "Class C0". The serine amino acid residue is found in multiple mammalian species, which suggests that this missense change does not adversely affect protein function. In summary, the available evidence is currently insufficient to determine the role of this variant in disease. Therefore, it has been classified as a Variant of Uncertain Significance.

Illumina Laboratory Services, Illumina
Classification: Uncertain significance for Retinitis pigmentosa. Last evaluated: 2018-01-13. Review status: criteria provided, single submitter. Criteria: ICSL Variant Classification Criteria 13 December 2019. Collection method: clinical testing. Allele origin: germline.

ClinVar Staff, National Center for Biotechnology Information (NCBI)
Classification: Uncertain significance for Retinitis pigmentosa 66. Last evaluated: 2013-06-27. Review status: no assertion criteria provided. Collection method: literature only. Allele origin: germline. Affected: yes. Not counted in ClinVar's aggregate classification.

Literature cited by the submitters: PubMed 19074801 (cited by Labcorp Genetics (formerly Invitae), Labcorp and ClinVar Staff, National Center for Biotechnology Information (NCBI)).